The following is an entry in ClinVar:

ClinVar aggregate classification (germline): Conflicting classifications of pathogenicity. Review status: criteria provided, conflicting classifications (1 of 4 stars). 5 submissions from 5 submitters: Uncertain significance (3); Likely benign (2). Last evaluated 2026-08-06.

Conditions:
Inborn genetic diseases. Identifiers: MedGen C0950123, MeSH D030342.
Autosomal dominant polycystic kidney disease. Identifiers: Orphanet 730, MedGen C0085413, MONDO:0004691.
Polycystic kidney disease 2 (PKD2). Also called: POLYCYSTIC KIDNEY DISEASE, ADULT, TYPE II; Polycystic Kidney Disease 2, Autosomal Dominant; POLYCYSTIC KIDNEY DISEASE 2 WITH OR WITHOUT POLYCYSTIC LIVER DISEASE. Identifiers: MedGen C2751306, MONDO:0013131, OMIM 613095.
PKD2-related disorder. Also called: PKD2-related condition.

Allele frequency attached by ClinVar (database versions not stated): gnomAD exomes 0.00015; TOPMed 0.00024; 1000 Genomes Project 30x 0.00031; gnomAD 0.00032.

Submissions (5):

PreventionGenetics, part of Exact Sciences
Classification: Likely benign for PKD2-related condition. Last evaluated: 2026-08-06. Review status: criteria provided, single submitter. Criteria: ACMG Guidelines, 2015. Collection method: clinical testing. Allele origin: germline.
Comment: This variant is classified as likely benign based on ACMG/AMP sequence variant interpretation guidelines (Richards et al. 2015 PMID: 25741868, with internal and published modifications).

Labcorp Genetics (formerly Invitae), Labcorp
Classification: Uncertain significance for Autosomal dominant polycystic kidney disease. Last evaluated: 2025-10-21. Review status: criteria provided, single submitter. Criteria: Invitae Variant Classification Sherloc (09022015). Collection method: clinical testing. Allele origin: germline.
Comment: This sequence change replaces aspartic acid, which is acidic and polar, with glutamic acid, which is acidic and polar, at codon 66 of the PKD2 protein (p.Asp66Glu). This variant is present in population databases (no rsID available, gnomAD 0.06%), and has an allele count higher than expected for a pathogenic variant. This variant has not been reported in the literature in individuals affected with PKD2-related conditions. ClinVar contains an entry for this variant (Variation ID: 961356). An algorithm developed to predict the effect of missense changes on protein structure and function (PolyPhen-2) suggests that this variant is likely to be disruptive. In summary, the available evidence is currently insufficient to determine the role of this variant in disease. Therefore, it has been classified as a Variant of Uncertain Significance.

Ambry Genetics
Classification: Uncertain significance for Inborn genetic diseases. Last evaluated: 2024-11-04. Review status: criteria provided, single submitter. Criteria: Ambry Variant Classification Scheme 2023. Collection method: clinical testing. Allele origin: germline.

Fulgent Genetics
Classification: Uncertain significance for Polycystic kidney disease 2. Last evaluated: 2024-02-29. Review status: criteria provided, single submitter. Criteria: ACMG Guidelines, 2015. Collection method: clinical testing. Allele origin: germline.

Department of Pathology and Laboratory Medicine, Sinai Health System
Classification: Likely benign for Polycystic kidney disease 2. Last evaluated: 2022-10-12. Review status: criteria provided, single submitter. Criteria: ACMG Guidelines, 2015. Collection method: clinical testing. Allele origin: germline.

Literature cited by the submitters: PubMed 37909612 (cited by Ambry Genetics).

NM_000297.4(PKD2):c.198C>A (p.Asp66Glu)

Genes: PKD2 (polycystin 2, transient receptor potential cation channel; plus strand), LOC129992813 (ATAC-STARR-seq lymphoblastoid silent region 15559; plus strand). Cytogenetic location: 4q22.1.
Variant type: single nucleotide variant.
Coding change: c.198C>A on transcript NM_000297.4 (MANE Select); coding-DNA position 198, C replaced by A.
Protein change: p.Asp66Glu; replaces aspartic acid 66 with glutamic acid.
Molecular consequence: missense variant. On other transcripts: non-coding transcript variant (1).
Genome position (GRCh38, 1-based): chr4:88,007,931, C>A. VCF-style: chr4-88007931-C-A. GRCh37 (hg19) VCF-style: chr4-88929083-C-A.
Other names: short protein forms D66E.
Identifiers: ClinVar variation 961356 (VCV000961356.13), dbSNP rs988396505, ClinGen allele CA100873075.
Genomic context (GRCh38, chr4:88,007,931, plus strand): 5'-CTGCGAGCAGCGGGGCCTGGAGATCGAGATGCAGCGCATCCGGCAGGCGGCCGCGCGGGA[C>A]CCCCCGGCCGGAGCCGCGGCCTCCCCTTCTCCTCCGCTCTCGTCGTGCTCCCGGCAGGCG-3'
Protein context (NP_000288.1, residues 56-76): MQRIRQAAAR[Asp66Glu]PPAGAAASPS